The following is an entry in ClinVar:

NM_001164688.2(RD3):c.348G>T (p.Gln116His)

Gene: RD3 (RD3 regulator of GUCY2D; minus strand). Cytogenetic location: 1q32.3.
Variant type: single nucleotide variant.
Coding change: c.348G>T on transcript NM_001164688.2 (MANE Select); coding-DNA position 348, G replaced by T.
Protein change: p.Gln116His; replaces glutamine 116 with histidine.
Molecular consequence: missense variant.
Genome position (GRCh38, 1-based): chr1:211,479,276, C>A on the plus strand (G>T on the coding strand, the complement: RD3 is on the minus strand). VCF-style: chr1-211479276-C-A. GRCh37 (hg19) VCF-style: chr1-211652618-C-A.
Other names: c.348G>T, p.Gln116His (NM_183059.3); short protein forms Q116H.
Identifiers: ClinVar variation 1061663 (VCV001061663.9), dbSNP rs1044780517, ClinGen allele CA37186341.
Genomic context (GRCh38, chr1:211,479,276, plus strand): 5'-GTGGGCCTCCTCTTCCTGCTTCATCCTCTCCAGGACCTCCTGCAGCACCGAGCGGAAGAG[C>A]TGGGACACCTCCTGCACCTCGGGCTCCTGCTCCGCCAGCAGCTGCCGGAACCTGGGCGGG-3'
Protein context (NP_001158160.1, residues 106-126): EQEPEVQEVS[Gln116His]LFRSVLQEVL

ClinVar aggregate classification (germline): Uncertain significance (1 of 4 stars; one submission).

Conditions:
Leber congenital amaurosis 12 (LCA12). Identifiers: Orphanet 65, MedGen C1857743, MONDO:0012525, OMIM 610612.

Allele frequency attached by ClinVar (database versions not stated): TOPMed 0.00001.

Submission:

Labcorp Genetics (formerly Invitae), Labcorp
Classification: Uncertain significance for Leber congenital amaurosis 12. Last evaluated: 2020-10-05. Review status: criteria provided, single submitter. Criteria: Invitae Variant Classification Sherloc (09022015). Collection method: clinical testing. Allele origin: germline.
Comment: Algorithms developed to predict the effect of missense changes on protein structure and function (SIFT, PolyPhen-2, Align-GVGD) all suggest that this variant is likely to be tolerated, but these predictions have not been confirmed by published functional studies and their clinical significance is uncertain. In summary, the available evidence is currently insufficient to determine the role of this variant in disease. Therefore, it has been classified as a Variant of Uncertain Significance. This variant has not been reported in the literature in individuals with RD3-related conditions. This sequence change replaces glutamine with histidine at codon 116 of the RD3 protein (p.Gln116His). The glutamine residue is weakly conserved and there is a small physicochemical difference between glutamine and histidine. This variant is not present in population databases (ExAC no frequency).